The following is an entry in ClinVar:

ClinVar aggregate classification (germline): Uncertain significance (1 of 4 stars; one submission).

Conditions:
SEMA3D-related disorder. Also called: SEMA3D-related condition.

Submission:

PreventionGenetics, part of Exact Sciences
Classification: Uncertain significance for SEMA3D-related condition. Last evaluated: 2025-02-17. Review status: criteria provided, single submitter. Criteria: ACMG Guidelines, 2015. Collection method: clinical testing. Allele origin: germline.
Comment: The SEMA3D c.1934A>G variant is predicted to result in the amino acid substitution p.Lys645Arg. To our knowledge, this variant has not been reported in the literature or in a large population database (gnomAD), indicating this variant is rare. At this time, the clinical significance of this variant is uncertain due to the absence of conclusive functional and genetic evidence.

NM_001384900.1(SEMA3D):c.1934A>G (p.Lys645Arg)

Genes: SEMA3D (semaphorin 3D; minus strand), LOC126860094 (BRD4-independent group 4 enhancer GRCh37_chr7:84628763-84629962; plus strand). Cytogenetic location: 7q21.11.
Variant type: single nucleotide variant.
Coding change: c.1934A>G on transcript NM_001384900.1 (MANE Select); coding-DNA position 1934, A replaced by G.
Protein change: p.Lys645Arg; replaces lysine 645 with arginine.
Molecular consequence: missense variant.
Genome position (GRCh38, 1-based): chr7:84,999,840, T>C on the plus strand (A>G on the coding strand, the complement: SEMA3D is on the minus strand). VCF-style: chr7-84999840-T-C. GRCh37 (hg19) VCF-style: chr7-84629156-T-C.
Other names: c.1934A>G, p.Lys645Arg (NM_001384901.1, NM_001384902.1, NM_001384903.1 and 1 more transcripts); short protein forms K645R.
Identifiers: ClinVar variation 4983875 (VCV004983875.1).